The following is an entry in ClinVar:

ClinVar aggregate classification (germline): Uncertain significance. Review status: criteria provided, multiple submitters, no conflicts (2 of 4 stars). 4 submissions from 4 submitters: Uncertain significance (4). Last evaluated 2025-08-22.

Conditions:
Merosin deficient congenital muscular dystrophy (MDC1A). Also called: Congenital merosin-deficient muscular dystrophy 1A; Congenital Muscular Dystrophy Type 1A (MDC1A). Identifiers: Orphanet 258, MedGen C1263858, MONDO:0011925, OMIM 607855.
Muscular dystrophy, limb-girdle, autosomal recessive 23. Identifiers: Orphanet 565837, MedGen C4748327, MONDO:0029136, OMIM 618138.
Inborn genetic diseases. Identifiers: MedGen C0950123, MeSH D030342.
LAMA2-related muscular dystrophy (LAMA2-RD). Also called: Laminin alpha 2-related dystrophy. Identifiers: MedGen C5679788, MONDO:0100228.

Allele frequency attached by ClinVar (database versions not stated): gnomAD exomes below 0.00001 and 0.00001; ExAC 0.00001; gnomAD 0.00004 and 0.00006; TOPMed 0.00008; ESP Exome Variant Server 0.00023.

Submissions (4):

Ambry Genetics
Classification: Uncertain significance for Inborn genetic diseases. Last evaluated: 2025-08-22. Review status: criteria provided, single submitter. Criteria: Ambry Variant Classification Scheme 2023. Collection method: clinical testing. Allele origin: germline.

Labcorp Genetics (formerly Invitae), Labcorp
Classification: Uncertain significance for LAMA2-related muscular dystrophy. Last evaluated: 2022-09-01. Review status: criteria provided, single submitter. Criteria: Invitae Variant Classification Sherloc (09022015). Collection method: clinical testing. Allele origin: germline.
Comment: This sequence change replaces methionine, which is neutral and non-polar, with arginine, which is basic and polar, at codon 1221 of the LAMA2 protein (p.Met1221Arg). This variant is present in population databases (rs140895872, gnomAD 0.008%). This variant has not been reported in the literature in individuals affected with LAMA2-related conditions. ClinVar contains an entry for this variant (Variation ID: 641786). Advanced modeling of protein sequence and biophysical properties (such as structural, functional, and spatial information, amino acid conservation, physicochemical variation, residue mobility, and thermodynamic stability) performed at Invitae indicates that this missense variant is not expected to disrupt LAMA2 protein function. Algorithms developed to predict the effect of sequence changes on RNA splicing suggest that this variant may create or strengthen a splice site. In summary, the available evidence is currently insufficient to determine the role of this variant in disease. Therefore, it has been classified as a Variant of Uncertain Significance.

Fulgent Genetics
Classification: Uncertain significance for Merosin deficient congenital muscular dystrophy; Muscular dystrophy, limb-girdle, autosomal recessive 23. Last evaluated: 2021-07-26. Review status: criteria provided, single submitter. Criteria: ACMG Guidelines, 2015. Collection method: clinical testing. Allele origin: unknown.

Revvity Omics, Revvity
Classification: Uncertain significance. Last evaluated: 2020-01-30. Review status: criteria provided, single submitter. Criteria: ACMG Guidelines, 2015. Collection method: clinical testing. Allele origin: germline.

NM_000426.4(LAMA2):c.3662T>G (p.Met1221Arg)

Gene: LAMA2 (laminin subunit alpha 2; plus strand). Cytogenetic location: 6q22.33.
Variant type: single nucleotide variant.
Coding change: c.3662T>G on transcript NM_000426.4 (MANE Select); coding-DNA position 3662, T replaced by G.
Protein change: p.Met1221Arg; replaces methionine 1221 with arginine.
Molecular consequence: missense variant.
Genome position (GRCh38, 1-based): chr6:129,315,582, T>G. VCF-style: chr6-129315582-T-G. GRCh37 (hg19) VCF-style: chr6-129636727-T-G.
Other names: c.3662T>G, p.Met1221Arg (NM_001079823.2); short protein forms M1221R.
Identifiers: ClinVar variation 641786 (VCV000641786.9), dbSNP rs140895872, ClinGen allele CA3993324.
Genomic context (GRCh38, chr6:129,315,582, plus strand): 5'-CTCTGCAGCACACGACCACCAAGGGCATTGTTTTTCAACATCCAGAGATTGTTGCCCACA[T>G]GGACCTGATGAGAGAAGATCTCCATTTGGAACCTTTTTATTGGAAACTTCCAGAACAATT-3'
Protein context (NP_000417.3, residues 1211-1231): VFQHPEIVAH[Met1221Arg]DLMREDLHLE